The following is an entry in ClinVar:

ClinVar aggregate classification (germline): Benign. Review status: criteria provided, multiple submitters, no conflicts (2 of 4 stars). 3 submissions from 3 submitters: Benign (3). Last evaluated 2026-03-01.

Allele frequency attached by ClinVar (database versions not stated): gnomAD 0.00416 and 0.00456; TOPMed 0.00419; 1000 Genomes Project 30x 0.00422; ESP Exome Variant Server 0.00446; 1000 Genomes Project 0.00479; ExAC 0.00479; gnomAD exomes 0.00507 and 0.00740.
gnomAD v4.1: 11,407 of 1,613,658 alleles (0.71%); highest among the groups gnomAD compares: South Asian, 1.4%; 61 homozygotes.

Submissions (3):

CeGaT Center for Human Genetics Tuebingen
Classification: Benign. Last evaluated: 2026-03-01. Review status: criteria provided, single submitter. Criteria: CeGaT Center For Human Genetics Tuebingen Variant Classification Criteria Version 2. Collection method: clinical testing. Allele origin: germline. Affected: yes. Observed: 4 variant alleles.
Comment: LRP1: BP4, BP7, BS1, BS2

Labcorp Genetics (formerly Invitae), Labcorp
Classification: Benign. Last evaluated: 2019-12-31. Review status: criteria provided, single submitter. Criteria: Invitae Variant Classification Sherloc (09022015). Collection method: clinical testing. Allele origin: germline.

Breakthrough Genomics
Classification: Benign. Review status: criteria provided, single submitter. Criteria: ACMG Guidelines, 2015. Collection method: not provided. Allele origin: germline. Inheritance: Autosomal recessive inheritance. Affected: yes.

NM_002332.3(LRP1):c.7653G>A (p.Lys2551=)

Gene: LRP1 (LDL receptor related protein 1; plus strand). Cytogenetic location: 12q13.3.
Variant type: single nucleotide variant.
Coding change: c.7653G>A on transcript NM_002332.3 (MANE Select); coding-DNA position 7653, G replaced by A.
Protein change: p.Lys2551=; no amino-acid change (lysine 2551 retained).
Molecular consequence: synonymous variant.
Genome position (GRCh38, 1-based): chr12:57,193,273, G>A. VCF-style: chr12-57193273-G-A. GRCh37 (hg19) VCF-style: chr12-57587056-G-A.
Identifiers: ClinVar variation 714626 (VCV000714626.28), dbSNP rs138348495, ClinGen allele CA6644121.
Genomic context (GRCh38, chr12:57,193,273, plus strand): 5'-GTGTGCCAATGGCGAGTGCATCAACTTCAGCCTGACCTGCGACGGCGTCCCCCACTGCAA[G>A]GACAAGTCCGATGAGAAGCCATCCTACTGCAGTAAGGAGCCCCCTGCAGCCCCTGCCTCT-3'
Protein context (NP_002323.2, residues 2541-2561): SLTCDGVPHC[Lys2551=]DKSDEKPSYC